The following is an entry in ClinVar:

NM_003482.4(KMT2D):c.5493T>A (p.Asp1831Glu)

Gene: KMT2D (lysine methyltransferase 2D; minus strand). Cytogenetic location: 12q13.12.
Variant type: single nucleotide variant.
Coding change: c.5493T>A on transcript NM_003482.4 (MANE Select); coding-DNA position 5493, T replaced by A.
Protein change: p.Asp1831Glu; replaces aspartic acid 1831 with glutamic acid.
Molecular consequence: missense variant.
Genome position (GRCh38, 1-based): chr12:49,043,403, A>T on the plus strand (T>A on the coding strand, the complement: KMT2D is on the minus strand). VCF-style: chr12-49043403-A-T. GRCh37 (hg19) VCF-style: chr12-49437186-A-T.
Other names: short protein forms D1831E.
Identifiers: ClinVar variation 4767879 (VCV004767879.1).

ClinVar aggregate classification (germline): Uncertain significance (1 of 4 stars; one submission).

Conditions:
Kabuki syndrome. Also called: NIIKAWA-KUROKI SYNDROME; Kabuki make-up syndrome. Identifiers: Orphanet 2322, MedGen C0796004, MONDO:0016512.

gnomAD v4.1: 7 of 1,613,860 alleles (0.00043%); highest among the groups gnomAD compares: African/African-American, 0.0013%; no homozygotes.

Submission:

Labcorp Genetics (formerly Invitae), Labcorp
Classification: Uncertain significance for Kabuki syndrome. Last evaluated: 2025-02-19. Review status: criteria provided, single submitter. Criteria: Invitae Variant Classification Sherloc (09022015). Collection method: clinical testing. Allele origin: germline.
Comment: This sequence change replaces aspartic acid, which is acidic and polar, with glutamic acid, which is acidic and polar, at codon 1831 of the KMT2D protein (p.Asp1831Glu). This variant is not present in population databases (gnomAD no frequency). This variant has not been reported in the literature in individuals affected with KMT2D-related conditions. Invitae Evidence Modeling of protein sequence and biophysical properties (such as structural, functional, and spatial information, amino acid conservation, physicochemical variation, residue mobility, and thermodynamic stability) indicates that this missense variant is not expected to disrupt KMT2D protein function with a negative predictive value of 95%. In summary, the available evidence is currently insufficient to determine the role of this variant in disease. Therefore, it has been classified as a Variant of Uncertain Significance.